The following is an entry in ClinVar:

ClinVar aggregate classification (germline): Likely pathogenic (1 of 4 stars; one submission).

Conditions:
Familial cancer of breast. Also called: hereditary breast carcinoma; BREAST CANCER, FAMILIAL; Hereditary breast cancer. Identifiers: Orphanet 227535, MedGen C0346153, MONDO:0016419, OMIM 114480. Disease mechanism: loss of function.

Submission:

Labcorp Genetics (formerly Invitae), Labcorp
Classification: Likely pathogenic for Familial cancer of breast. Last evaluated: 2019-06-25. Review status: criteria provided, single submitter. Criteria: Invitae Variant Classification Sherloc (09022015). Collection method: clinical testing. Allele origin: germline.
Comment: This sequence change affects a donor splice site in intron 3 of the CHEK2 gene. It is expected to disrupt RNA splicing and likely results in an absent or disrupted protein product. This variant is not present in population databases (ExAC no frequency). This variant has not been reported in the literature in individuals with CHEK2-related conditions. Donor and acceptor splice site variants typically lead to a loss of protein function (PMID: 16199547), and loss-of-function variants in CHEK2 are known to be pathogenic (PMID: 21876083, 24713400). In summary, the currently available evidence indicates that the variant is pathogenic, but additional data are needed to prove that conclusively. Therefore, this variant has been classified as Likely Pathogenic.

Literature cited by the submitters: PubMed 16199547; PubMed 21876083; PubMed 24713400.

NM_007194.4(CHEK2):c.444_444+1del

Gene: CHEK2 (checkpoint kinase 2; minus strand). Cytogenetic location: 22q12.1.
Variant type: Deletion.
Coding change: c.444_444+1del on transcript NM_007194.4 (MANE Select); coding-DNA position 444 through the canonical splice donor site of the intron after coding-DNA position 444, 2 bases deleted (GG; older notation c.444_444+1delGG).
Molecular consequence: splice donor variant.
Genome position (GRCh38, 1-based): chr22:28,725,242-28,725,243, CC deleted on the plus strand (GG on the coding strand, the reverse complement: CHEK2 is on the minus strand); deleting any 2 consecutive bases within chr22:28,725,242-28,725,244 gives the same sequence; the c. name uses the placement nearest the transcript's 3' end. VCF-style (leftmost placement, unchanged base first): chr22-28725241-ACC-A. GRCh37 (hg19) VCF-style: chr22-29121229-ACC-A.
Other names: c.-220_-220+1del (NM_001437942.1); c.444_444+1del (NM_001349956.3, NM_145862.3); c.-334_-334+1del (NM_001257387.3); c.537_537+1del (NM_001438295.1, NM_001438293.1); c.573_573+1del (NM_001438294.1, NM_001005735.3).
Identifiers: ClinVar variation 942709 (VCV000942709.8), dbSNP rs1064793780, ClinGen allele CA1139666374.